The following is an entry in ClinVar:

NM_006269.2(RP1):c.3598G>A (p.Glu1200Lys)

Gene: RP1 (RP1 axonemal microtubule associated; plus strand). Cytogenetic location: 8q12.1.
Variant type: single nucleotide variant.
Coding change: c.3598G>A on transcript NM_006269.2 (MANE Select); coding-DNA position 3598, G replaced by A.
Protein change: p.Glu1200Lys; replaces glutamic acid 1200 with lysine.
Molecular consequence: missense variant. On other transcripts: intron variant (1).
Genome position (GRCh38, 1-based): chr8:54,627,480, G>A. VCF-style: chr8-54627480-G-A. GRCh37 (hg19) VCF-style: chr8-55540040-G-A.
Other names: c.787+5192G>A (NM_001375654.1); short protein forms E1200K.
Identifiers: ClinVar variation 4986594 (VCV004986594.1).

ClinVar aggregate classification (germline): Uncertain significance (1 of 4 stars; one submission).

Conditions:
RP1-related disorder. Also called: RP1-related condition.

Submission:

PreventionGenetics, part of Exact Sciences
Classification: Uncertain significance for RP1-related condition. Last evaluated: 2025-08-28. Review status: criteria provided, single submitter. Criteria: ACMG Guidelines, 2015. Collection method: clinical testing. Allele origin: germline.
Comment: The RP1 c.3598G>A variant is predicted to result in the amino acid substitution p.Glu1200Lys. To our knowledge, this variant has not been reported in the literature or in a large population database (gnomAD), indicating this variant is rare. At this time, the clinical significance of this variant is uncertain due to the absence of conclusive functional and genetic evidence.